The following is an entry in ClinVar:

ClinVar aggregate classification (germline): Uncertain significance (1 of 4 stars; one submission).

Allele frequency attached by ClinVar (database versions not stated): gnomAD exomes 0.00001.
gnomAD v4.1: 7 of 1,613,404 alleles (0.00043%); highest among the groups gnomAD compares: Non-Finnish European, 0.00059%; no homozygotes.

Submission:

GeneDx
Classification: Uncertain significance. Last evaluated: 2025-05-06. Review status: criteria provided, single submitter. Criteria: GeneDx Variant Classification Process June 2021. Collection method: clinical testing. Allele origin: germline. Affected: yes.
Comment: Not observed at significant frequency in large population cohorts (gnomAD); In silico analysis suggests that this missense variant does not alter protein structure/function; Has not been previously published as pathogenic or benign to our knowledge

NM_004369.4(COL6A3):c.8003A>G (p.Gln2668Arg)

Gene: COL6A3 (collagen type VI alpha 3 chain; minus strand). Cytogenetic location: 2q37.3.
Variant type: single nucleotide variant.
Coding change: c.8003A>G on transcript NM_004369.4 (MANE Select); coding-DNA position 8003, A replaced by G.
Protein change: p.Gln2668Arg; replaces glutamine 2668 with arginine.
Molecular consequence: missense variant.
Genome position (GRCh38, 1-based): chr2:237,340,913, T>C on the plus strand (A>G on the coding strand, the complement: COL6A3 is on the minus strand). VCF-style: chr2-237340913-T-C. GRCh37 (hg19) VCF-style: chr2-238249556-T-C.
Other names: c.6182A>G, p.Gln2061Arg (NM_057166.5); c.7385A>G, p.Gln2462Arg (NM_057167.4); short protein forms Q2061R, Q2462R, Q2668R.
Identifiers: ClinVar variation 1314047 (VCV001314047.3), dbSNP rs2106319884, ClinGen allele CA351196924.